The following is an entry in ClinVar:

NM_031935.3(HMCN1):c.8324G>A (p.Gly2775Glu)

Gene: HMCN1 (hemicentin 1; plus strand). Cytogenetic location: 1q31.1.
Variant type: single nucleotide variant.
Coding change: c.8324G>A on transcript NM_031935.3 (MANE Select); coding-DNA position 8324, G replaced by A.
Protein change: p.Gly2775Glu; replaces glycine 2775 with glutamic acid.
Molecular consequence: missense variant.
Genome position (GRCh38, 1-based): chr1:186,076,461, G>A. VCF-style: chr1-186076461-G-A. GRCh37 (hg19) VCF-style: chr1-186045593-G-A.
Other names: c.8324G>A (NM_031935.2); short protein forms G2775E.
Identifiers: ClinVar variation 2129448 (VCV002129448.7), dbSNP rs1658817678, ClinGen allele CA343912060.

ClinVar aggregate classification (germline): Uncertain significance. Review status: criteria provided, multiple submitters, no conflicts (2 of 4 stars). 3 submissions from 3 submitters: Uncertain significance (3). Last evaluated 2023-04-11.

Conditions:
Age related macular degeneration 1 (ARMD1). Also called: MACULOPATHY, AGE-RELATED, 1. Identifiers: MedGen C1864205, MONDO:0011285, OMIM 603075.

Allele frequency attached by ClinVar (database versions not stated): gnomAD exomes below 0.00001; gnomAD 0.00001.
gnomAD v4.1: 3 of 1,613,504 alleles (0.00019%); highest among the groups gnomAD compares: Non-Finnish European, 0.00025%; no homozygotes.

Submissions (3):

Genome-Nilou Lab
Classification: Uncertain significance for Age related macular degeneration 1. Last evaluated: 2023-04-11. Review status: criteria provided, single submitter. Criteria: ACMG Guidelines, 2015. Collection method: clinical testing. Allele origin: germline. Affected: no.

Ambry Genetics
Classification: Uncertain significance. Last evaluated: 2023-01-17. Review status: criteria provided, single submitter. Criteria: Ambry Variant Classification Scheme 2023. Collection method: clinical testing. Allele origin: germline.

Labcorp Genetics (formerly Invitae), Labcorp
Classification: Uncertain significance. Last evaluated: 2022-04-22. Review status: criteria provided, single submitter. Criteria: Invitae Variant Classification Sherloc (09022015). Collection method: clinical testing. Allele origin: germline.
Comment: In summary, the available evidence is currently insufficient to determine the role of this variant in disease. Therefore, it has been classified as a Variant of Uncertain Significance. Algorithms developed to predict the effect of missense changes on protein structure and function are either unavailable or do not agree on the potential impact of this missense change (SIFT: "Deleterious"; PolyPhen-2: "Probably Damaging"; Align-GVGD: "Class C15"). This variant has not been reported in the literature in individuals affected with HMCN1-related conditions. This variant is not present in population databases (gnomAD no frequency). This sequence change replaces glycine, which is neutral and non-polar, with glutamic acid, which is acidic and polar, at codon 2775 of the HMCN1 protein (p.Gly2775Glu).